The following is an entry in ClinVar:

ClinVar aggregate classification (germline): Uncertain significance (1 of 4 stars; one submission).

Conditions:
Cardiovascular phenotype. Identifiers: MedGen CN230736.

Allele frequency attached by ClinVar (database versions not stated): gnomAD 0.00001; ExAC 0.00005; 1000 Genomes Project 30x 0.00016; 1000 Genomes Project 0.00020.
gnomAD v4.1: 1 of 1,550,552 alleles (0.000064%); highest among the groups gnomAD compares: African/African-American, 0.0014%; no homozygotes.

Submission:

Ambry Genetics
Classification: Uncertain significance for Cardiovascular phenotype. Last evaluated: 2022-12-06. Review status: criteria provided, single submitter. Criteria: Ambry Variant Classification Scheme 2023. Collection method: clinical testing. Allele origin: germline.
Comment: The p.L1496V variant (also known as c.4486C>G), located in coding exon 2 of the ZNF469 gene, results from a C to G substitution at nucleotide position 4486. The leucine at codon 1496 is replaced by valine, an amino acid with highly similar properties. This amino acid position is conserved. In addition, this alteration is predicted to be tolerated by in silico analysis. Since supporting evidence is limited at this time, the clinical significance of this alteration remains unclear.

NM_001367624.2(ZNF469):c.4570C>G (p.Leu1524Val)

Gene: ZNF469 (zinc finger protein 469; plus strand). Cytogenetic location: 16q24.2.
Variant type: single nucleotide variant.
Coding change: c.4570C>G on transcript NM_001367624.2 (MANE Select); coding-DNA position 4570, C replaced by G.
Protein change: p.Leu1524Val; replaces leucine 1524 with valine.
Molecular consequence: missense variant.
Genome position (GRCh38, 1-based): chr16:88,432,040, C>G. VCF-style: chr16-88432040-C-G. GRCh37 (hg19) VCF-style: chr16-88498448-C-G.
Other names: NM_001127464.1:c.4486C>G; short protein forms L1524V.
Identifiers: ClinVar variation 2449456 (VCV002449456.2), dbSNP rs553117275, ClinGen allele CA8224976.